The following is an entry in ClinVar:

NM_024753.5(TTC21B):c.250A>G (p.Ser84Gly)

Gene: TTC21B (tetratricopeptide repeat domain 21B; minus strand). Cytogenetic location: 2q24.3.
Variant type: single nucleotide variant.
Coding change: c.250A>G on transcript NM_024753.5 (MANE Select); coding-DNA position 250, A replaced by G.
Protein change: p.Ser84Gly; replaces serine 84 with glycine.
Molecular consequence: missense variant.
Genome position (GRCh38, 1-based): chr2:165,949,406, T>C on the plus strand (A>G on the coding strand, the complement: TTC21B is on the minus strand). VCF-style: chr2-165949406-T-C. GRCh37 (hg19) VCF-style: chr2-166805916-T-C.
Other names: c.250A>G (NM_024753.3); short protein forms S84G.
Identifiers: ClinVar variation 848727 (VCV000848727.13), dbSNP rs763267081, ClinGen allele CA1942508.

ClinVar aggregate classification (germline): Uncertain significance. Review status: criteria provided, multiple submitters, no conflicts (2 of 4 stars). 5 submissions from 5 submitters: Uncertain significance (5). Last evaluated 2026-07-01.

Conditions:
TTC21B-related disorder. Also called: TTC21B-related condition; TTC21B-related disorders.
Jeune thoracic dystrophy. Also called: Jeune syndrome; Infantile thoracic dystrophy; Thoracic pelvic phalangeal dystrophy; Jeune's syndrome; Chondroectodermal dysplasia-like syndrome; Short-rib thoracic dysplasia. Identifiers: Orphanet 474, MedGen C0265275, MONDO:0018770.
Nephronophthisis. Also called: Juvenile Nephronophthisis. Identifiers: Orphanet 655, MedGen C0687120, MONDO:0019005, HP:0000090.
Inborn genetic diseases. Identifiers: MedGen C0950123, MeSH D030342.

Allele frequency attached by ClinVar (database versions not stated): ExAC 0.00001; gnomAD exomes 0.00004 and 0.00011; TOPMed 0.00004; gnomAD 0.00005.

Submissions (5):

CeGaT Center for Human Genetics Tuebingen
Classification: Uncertain significance. Last evaluated: 2026-07-01. Review status: criteria provided, single submitter. Criteria: CeGaT Center For Human Genetics Tuebingen Variant Classification Criteria Version 2. Collection method: clinical testing. Allele origin: germline. Affected: yes. Observed: 1 variant allele.
Comment: TTC21B: PM2, BP4

PreventionGenetics, part of Exact Sciences
Classification: Uncertain significance for TTC21B-related condition. Last evaluated: 2026-05-22. Review status: criteria provided, single submitter. Criteria: ACMG Guidelines, 2015. Collection method: clinical testing. Allele origin: germline.
Comment: The TTC21B c.250A>G variant is predicted to result in the amino acid substitution p.Ser84Gly. To our knowledge, this variant has not been reported in the literature. This variant is reported in 0.0085% of alleles in individuals of European (Non-Finnish) descent in gnomAD. At this time, the clinical significance of this variant is uncertain due to the absence of conclusive functional and genetic evidence.

Blueprint Genetics
Classification: Uncertain significance. Last evaluated: 2024-03-13. Review status: criteria provided, single submitter. Criteria: ACMG Guidelines, 2015. Collection method: clinical testing. Allele origin: germline.

Ambry Genetics
Classification: Uncertain significance for Inborn genetic diseases. Last evaluated: 2023-04-20. Review status: criteria provided, single submitter. Criteria: Ambry Variant Classification Scheme 2023. Collection method: clinical testing. Allele origin: germline.

Labcorp Genetics (formerly Invitae), Labcorp
Classification: Uncertain significance for Jeune thoracic dystrophy; Nephronophthisis. Last evaluated: 2022-07-17. Review status: criteria provided, single submitter. Criteria: Invitae Variant Classification Sherloc (09022015). Collection method: clinical testing. Allele origin: germline.
Comment: This sequence change replaces serine, which is neutral and polar, with glycine, which is neutral and non-polar, at codon 84 of the TTC21B protein (p.Ser84Gly). This variant is present in population databases (rs763267081, gnomAD 0.009%). This variant has not been reported in the literature in individuals affected with TTC21B-related conditions. ClinVar contains an entry for this variant (Variation ID: 848727). Algorithms developed to predict the effect of missense changes on protein structure and function (SIFT, PolyPhen-2, Align-GVGD) all suggest that this variant is likely to be tolerated. In summary, the available evidence is currently insufficient to determine the role of this variant in disease. Therefore, it has been classified as a Variant of Uncertain Significance.